The following is an entry in ClinVar:

ClinVar aggregate classification (germline): Uncertain significance (1 of 4 stars; one submission).

gnomAD v4.1: 18 of 1,613,392 alleles (0.0011%); highest among the groups gnomAD compares: African/African-American, 0.008%; no homozygotes.

Submission:

GeneDx
Classification: Uncertain significance. Last evaluated: 2024-07-27. Review status: criteria provided, single submitter. Criteria: GeneDx Variant Classification Process June 2021. Collection method: clinical testing. Allele origin: germline. Affected: yes.
Comment: In silico analysis supports that this missense variant has a deleterious effect on protein structure/function; Has not been previously published as pathogenic or benign to our knowledge

NM_005993.5(TBCD):c.1360C>T (p.Arg454Trp)

Gene: TBCD (tubulin folding cofactor D). Cytogenetic location: 17q25.3.
Variant type: single nucleotide variant.
Coding change: c.1360C>T on transcript NM_005993.5 (MANE Select); coding-DNA position 1360, C replaced by T.
Protein change: p.Arg454Trp; replaces arginine 454 with tryptophan.
Molecular consequence: missense variant.
Genome position (GRCh38, 1-based): chr17:82,870,265, C>T. VCF-style: chr17-82870265-C-T. GRCh37 (hg19) VCF-style: chr17-80828141-C-T.
Other names: c.1309C>T, p.Arg437Trp (NM_001411101.1); c.1360C>T, p.Arg454Trp (NM_001411102.1); short protein forms R437W, R454W.
Identifiers: ClinVar variation 3602447 (VCV003602447.1).